The following is an entry in ClinVar:

ClinVar aggregate classification (germline): Likely pathogenic. Review status: criteria provided, multiple submitters, no conflicts (2 of 4 stars). 2 submissions from 2 submitters: Likely pathogenic (2). Last evaluated 2024-03-05.

Submissions (2):

GeneDx
Classification: Likely pathogenic. Last evaluated: 2024-03-05. Review status: criteria provided, single submitter. Criteria: GeneDx Variant Classification Process June 2021. Collection method: clinical testing. Allele origin: germline. Affected: yes.
Comment: Frameshift variant predicted to result in abnormal protein length as the last 112 amino acids are replaced with 16 different amino acids; Not observed at significant frequency in large population cohorts (gnomAD); This variant is associated with the following publications: (PMID: 33044030)

Eurofins Ntd Llc (ga)
Classification: Likely pathogenic. Last evaluated: 2018-02-20. Review status: criteria provided, single submitter. Criteria: EGL ClinVar v180209 classification definitions. Collection method: clinical testing. Allele origin: germline. Observed: 1 variant allele, 1 homozygote.

NM_002408.4(MGAT2):c.1006_1009del (p.Asp336fs)

Gene: MGAT2 (alpha-1,6-mannosyl-glycoprotein 2-beta-N-acetylglucosaminyltransferase; plus strand). Cytogenetic location: 14q21.3.
Variant type: Deletion.
Coding change: c.1006_1009del on transcript NM_002408.4 (MANE Select); coding-DNA positions 1006 to 1009, 4 bases deleted (GACA; older notation c.1006_1009delGACA).
Protein change: p.Asp336fs; shifts the reading frame from aspartic acid 336.
Molecular consequence: frameshift variant.
Genome position (GRCh38, 1-based): chr14:49,622,274-49,622,277, GACA deleted; deleting any 4 consecutive bases within chr14:49,622,271-49,622,277 gives the same sequence; the c. name uses the placement nearest the transcript's 3' end. VCF-style (leftmost placement, unchanged base first): chr14-49622270-CACAG-C. GRCh37 (hg19) VCF-style: chr14-50088988-CACAG-C.
Other names: c.1006_1009del (NM_002408.3); short protein forms D336fs.
Identifiers: ClinVar variation 596219 (VCV000596219.6), dbSNP rs768879640, ClinGen allele CA7172629.